The following is an entry in ClinVar:

ClinVar aggregate classification (germline): Benign. Review status: criteria provided, multiple submitters, no conflicts (2 of 4 stars). 3 submissions from 3 submitters: Benign (2). 1 of the submissions does not count toward it. Last evaluated 2019-12-31.

Conditions:
LRP1B-related disorder. Also called: LRP1B-related condition.

Allele frequency attached by ClinVar (database versions not stated): 1000 Genomes Project 0.00300; 1000 Genomes Project 30x 0.00344; TOPMed 0.00761; gnomAD exomes 0.00766 and 0.01261; ExAC 0.00781; gnomAD 0.00857 and 0.00882; ESP Exome Variant Server 0.01023.
gnomAD v4.1: 19,648 of 1,611,620 alleles (1.2%); highest among the groups gnomAD compares: Non-Finnish European, 1.5%; 147 homozygotes.

Submissions (3):

Labcorp Genetics (formerly Invitae), Labcorp
Classification: Benign. Last evaluated: 2019-12-31. Review status: criteria provided, single submitter. Criteria: Invitae Variant Classification Sherloc (09022015). Collection method: clinical testing. Allele origin: germline.

Breakthrough Genomics
Classification: Benign. Review status: criteria provided, single submitter. Criteria: ACMG Guidelines, 2015. Collection method: not provided. Allele origin: germline. Inheritance: Unknown mechanism. Affected: yes.

PreventionGenetics, part of Exact Sciences
Classification: Benign for LRP1B-related condition. Last evaluated: 2019-02-19. Review status: no assertion criteria provided. Collection method: clinical testing. Allele origin: germline. Not counted in ClinVar's aggregate classification.
Comment: This variant is classified as benign based on ACMG/AMP sequence variant interpretation guidelines (Richards et al. 2015 PMID: 25741868, with internal and published modifications).

NM_018557.3(LRP1B):c.8103C>T (p.Cys2701=)

Gene: LRP1B (LDL receptor related protein 1B; minus strand). Cytogenetic location: 2q22.1.
Variant type: single nucleotide variant.
Coding change: c.8103C>T on transcript NM_018557.3 (MANE Select); coding-DNA position 8103, C replaced by T.
Protein change: p.Cys2701=; no amino-acid change (cysteine 2701 retained).
Molecular consequence: synonymous variant.
Genome position (GRCh38, 1-based): chr2:140,516,935, G>A on the plus strand (C>T on the coding strand, the complement: LRP1B is on the minus strand). VCF-style: chr2-140516935-G-A. GRCh37 (hg19) VCF-style: chr2-141274504-G-A.
Identifiers: ClinVar variation 774290 (VCV000774290.7), dbSNP rs75124368, ClinGen allele CA1894098.
Genomic context (GRCh38, chr2:140,516,935, plus strand): 5'-ATACAATGTCTCACCACAGTGGAATTCATCACGTCCATCCTCACAATCTTTCTGACCATC[G>A]CATATCCAGGTATTCAAAATGCATCTTCCACTAGGACAACTAAAATAATTTTCTTCACAT-3'
Protein context (NP_061027.2, residues 2691-2711): SGRCILNTWI[Cys2701=]DGQKDCEDGR